The following is an entry in ClinVar:

ClinVar aggregate classification (germline): Uncertain significance (1 of 4 stars; one submission).

Allele frequency attached by ClinVar (database versions not stated): gnomAD 0.00001.
gnomAD v4.1: 3 of 1,614,146 alleles (0.00019%); highest among the groups gnomAD compares: African/African-American, 0.004%; no homozygotes.

Submission:

Labcorp Genetics (formerly Invitae), Labcorp
Classification: Uncertain significance. Last evaluated: 2022-01-26. Review status: criteria provided, single submitter. Criteria: Invitae Variant Classification Sherloc (09022015). Collection method: clinical testing. Allele origin: germline.
Comment: In summary, the available evidence is currently insufficient to determine the role of this variant in disease. Therefore, it has been classified as a Variant of Uncertain Significance. Advanced modeling of protein sequence and biophysical properties (such as structural, functional, and spatial information, amino acid conservation, physicochemical variation, residue mobility, and thermodynamic stability) performed at Invitae indicates that this missense variant is not expected to disrupt PNPT1 protein function. This variant has not been reported in the literature in individuals affected with PNPT1-related conditions. This variant is not present in population databases (gnomAD no frequency). This sequence change replaces valine, which is neutral and non-polar, with leucine, which is neutral and non-polar, at codon 47 of the PNPT1 protein (p.Val47Leu).

NM_033109.5(PNPT1):c.139G>T (p.Val47Leu)

Genes: PNPT1 (polyribonucleotide nucleotidyltransferase 1; minus strand), LOC129933770 (ATAC-STARR-seq lymphoblastoid active region 15785; plus strand). Cytogenetic location: 2p16.1.
Variant type: single nucleotide variant.
Coding change: c.139G>T on transcript NM_033109.5 (MANE Select); coding-DNA position 139, G replaced by T.
Protein change: p.Val47Leu; replaces valine 47 with leucine.
Molecular consequence: missense variant.
Genome position (GRCh38, 1-based): chr2:55,693,685, C>A on the plus strand (G>T on the coding strand, the complement: PNPT1 is on the minus strand). VCF-style: chr2-55693685-C-A. GRCh37 (hg19) VCF-style: chr2-55920820-C-A.
Other names: short protein forms V47L.
Identifiers: ClinVar variation 2089867 (VCV002089867.4), dbSNP rs1697694878, ClinGen allele CA346945806.